The following is an entry in ClinVar:

ClinVar aggregate classification (germline): Likely benign (1 of 4 stars; one submission).

Submission:

Laboratory for Molecular Medicine, Mass General Brigham Personalized Medicine
Classification: Likely benign. Last evaluated: 2015-02-04. Review status: criteria provided, single submitter. Criteria: LMM Criteria. Collection method: clinical testing. Allele origin: germline. Observed: 1 variant allele.
Comment: p.Val214Ile in exon 6 of GPR98: This variant is not expected to have clinical si gnificance due to a lack of conservation across species, including mammals. Of n ote, 4 mammals (rat, hedgehog, elephant and aardvark) have an isoleucine (Ile) a t this position despite high nearby amino acid conservation. In addition, comput ational prediction tools do not suggest a high likelihood of impact to the prote in.

NM_032119.4(ADGRV1):c.640G>A (p.Val214Ile)

Gene: ADGRV1 (adhesion G protein-coupled receptor V1; plus strand). Cytogenetic location: 5q14.3.
Variant type: single nucleotide variant.
Coding change: c.640G>A on transcript NM_032119.4 (MANE Select); coding-DNA position 640, G replaced by A.
Protein change: p.Val214Ile; replaces valine 214 with isoleucine.
Molecular consequence: missense variant. On other transcripts: non-coding transcript variant (1).
Genome position (GRCh38, 1-based): chr5:90,625,211, G>A. VCF-style: chr5-90625211-G-A. GRCh37 (hg19) VCF-style: chr5-89921028-G-A.
Other names: short protein forms V214I.
Identifiers: ClinVar variation 227410 (VCV000227410.4), dbSNP rs876657474, ClinGen allele CA10576660.